The following is an entry in ClinVar:

ClinVar aggregate classification (germline): Uncertain significance (1 of 4 stars; one submission).

gnomAD v4.1: 2 of 1,612,228 alleles (0.00012%); highest among the groups gnomAD compares: East Asian, 0.0022%; no homozygotes.

Submission:

Greenwood Genetic Center Diagnostic Laboratories, Greenwood Genetic Center
Classification: Uncertain significance. Last evaluated: 2026-04-14. Review status: criteria provided, single submitter. Criteria: ACMG Guidelines, 2015. Collection method: clinical testing. Allele origin: germline.
Comment: BP4

NM_015001.3(SPEN):c.5953A>G (p.Arg1985Gly)

Gene: SPEN (spen family transcriptional repressor; plus strand). Cytogenetic location: 1p36.13.
Variant type: single nucleotide variant.
Coding change: c.5953A>G on transcript NM_015001.3 (MANE Select); coding-DNA position 5953, A replaced by G.
Protein change: p.Arg1985Gly; replaces arginine 1985 with glycine.
Molecular consequence: missense variant.
Genome position (GRCh38, 1-based): chr1:15,932,193, A>G. VCF-style: chr1-15932193-A-G. GRCh37 (hg19) VCF-style: chr1-16258688-A-G.
Other names: short protein forms R1985G.
Identifiers: ClinVar variation 4891221 (VCV004891221.1).